The following is an entry in ClinVar:

ClinVar aggregate classification (germline): Uncertain significance (1 of 4 stars; one submission).

Conditions:
Familial thoracic aortic aneurysm and aortic dissection (TAAD). Also called: Thoracic aortic aneurysms and dissections. Identifiers: Orphanet 91387, MedGen C4707243, MONDO:0019625.

Submission:

Ambry Genetics
Classification: Uncertain significance for Familial thoracic aortic aneurysm and aortic dissection. Last evaluated: 2025-08-28. Review status: criteria provided, single submitter. Criteria: Ambry Variant Classification Scheme 2023. Collection method: clinical testing. Allele origin: germline.
Comment: The p.S518G variant (also known as c.1552A>G), located in coding exon 9 of the MYLK gene, results from an A to G substitution at nucleotide position 1552. The serine at codon 518 is replaced by glycine, an amino acid with similar properties. This amino acid position is conserved. In addition, this alteration is predicted to be tolerated by in silico analysis. Based on the available evidence, the clinical significance of this variant remains unclear.

NM_053025.4(MYLK):c.1552A>G (p.Ser518Gly)

Gene: MYLK (myosin light chain kinase; minus strand). Cytogenetic location: 3q21.1.
Variant type: single nucleotide variant.
Coding change: c.1552A>G on transcript NM_053025.4 (MANE Select); coding-DNA position 1552, A replaced by G.
Protein change: p.Ser518Gly; replaces serine 518 with glycine.
Molecular consequence: missense variant.
Genome position (GRCh38, 1-based): chr3:123,726,043, T>C on the plus strand (A>G on the coding strand, the complement: MYLK is on the minus strand). VCF-style: chr3-123726043-T-C. GRCh37 (hg19) VCF-style: chr3-123444890-T-C.
Other names: c.1024A>G, p.Ser342Gly (NM_001321309.2); c.1345A>G, p.Ser449Gly (NM_053026.4, NM_053028.4); c.1552A>G, p.Ser518Gly (NM_053027.4); short protein forms S449G, S342G, S518G.
Identifiers: ClinVar variation 4115066 (VCV004115066.1).